The following is an entry in ClinVar:

NM_000051.4(ATM):c.3878_3994dup (p.Asn1293_Gln1331dup)

Gene: ATM (ATM serine/threonine kinase; plus strand). Cytogenetic location: 11q22.3.
Variant type: Duplication.
Coding change: c.3878_3994dup on transcript NM_000051.4 (MANE Select); coding-DNA positions 3878 to 3994, 117 bases duplicated.
Protein change: p.Asn1293_Gln1331dup.
Molecular consequence: inframe insertion.
Genome position (GRCh38, 1-based): chr11:108,284,357-108,284,473, 117 bases duplicated. GRCh37 (hg19): chr11:108,155,084-108,155,200.
Other names: c.3877_3993dup (NM_000051.3); c.3878_3994dup, p.Asn1293_Gln1331dup (NM_001351834.2).
Identifiers: ClinVar variation 664633 (VCV000664633.8), dbSNP rs1591645970, ClinGen allele CA915944404.

ClinVar aggregate classification (germline): Uncertain significance (1 of 4 stars; one submission).

Conditions:
Ataxia-telangiectasia syndrome (AT). Also called: Ataxia-telangiectasia, complementation group D; AT, COMPLEMENTATION GROUP C; Ataxia telangiectasia (A-T); Cerebello-oculocutaneous telangiectasia; Immunodeficiency with ataxia telangiectasia; ATAXIA-TELANGIECTASIA, COMPLEMENTATION GROUP A. Identifiers: Orphanet 100, MedGen C0004135, MONDO:0008840, OMIM 208900.

Submission:

Labcorp Genetics (formerly Invitae), Labcorp
Classification: Uncertain significance for Ataxia-telangiectasia syndrome. Last evaluated: 2018-11-12. Review status: criteria provided, single submitter. Criteria: Invitae Variant Classification Sherloc (09022015). Collection method: clinical testing. Allele origin: germline.
Comment: This variant, c.3877_3993dup, results in the insertion of 39 amino acid(s) to the ATM protein (p.Asn1293_Gln1331dup), but otherwise preserves the integrity of the reading frame. Algorithms developed to predict the effect of sequence changes on RNA splicing suggest that this variant may create or strengthen a splice site, but this prediction has not been confirmed by published transcriptional studies. Experimental studies and prediction algorithms are not available for this variant, and the functional significance of the affected amino acid(s) is currently unknown. This variant has not been reported in the literature in individuals with ATM-related disease. This variant is not present in population databases (ExAC no frequency). In summary, the available evidence is currently insufficient to determine the role of this variant in disease. Therefore, it has been classified as a Variant of Uncertain Significance.